The following is an entry in ClinVar:

ClinVar aggregate classification (germline): Pathogenic (1 of 4 stars; one submission).

Conditions:
Ataxia-telangiectasia syndrome (AT). Also called: Ataxia-telangiectasia, complementation group D; AT, COMPLEMENTATION GROUP C; Ataxia-telangiectasia; Ataxia telangiectasia (A-T); Ataxia-telangiectasia, complementation group E; Cerebello-oculocutaneous telangiectasia. Identifiers: Orphanet 100, MedGen C0004135, MONDO:0008840, OMIM 208900.

Submission:

Labcorp Genetics (formerly Invitae), Labcorp
Classification: Pathogenic for Ataxia-telangiectasia syndrome. Last evaluated: 2023-09-08. Review status: criteria provided, single submitter. Criteria: Invitae Variant Classification Sherloc (09022015). Collection method: clinical testing. Allele origin: germline.
Comment: For these reasons, this variant has been classified as Pathogenic. ClinVar contains an entry for this variant (Variation ID: 1404378). This variant has not been reported in the literature in individuals affected with ATM-related conditions. This variant is not present in population databases (gnomAD no frequency). This sequence change creates a premature translational stop signal (p.Tyr67Ilefs*33) in the ATM gene. It is expected to result in an absent or disrupted protein product. Loss-of-function variants in ATM are known to be pathogenic (PMID: 23807571, 25614872).

Literature cited by the submitters: PubMed 23807571; PubMed 25614872.

NM_000051.4(ATM):c.198dup (p.Tyr67fs)

Gene: ATM (ATM serine/threonine kinase; plus strand). Cytogenetic location: 11q22.3.
Variant type: Duplication.
Coding change: c.198dup on transcript NM_000051.4 (MANE Select); coding-DNA position 198, one base duplicated (A; older notation c.198dupA).
Protein change: p.Tyr67fs; shifts the reading frame from tyrosine 67.
Molecular consequence: frameshift variant.
Genome position (GRCh38, 1-based): chr11:108,229,190, A duplicated; the last of 3 consecutive A bases (chr11:108,229,188-108,229,190); duplicating any one gives the same sequence. VCF-style (leftmost placement, unchanged base first): chr11-108229187-G-GA. GRCh37 (hg19) VCF-style: chr11-108099914-G-GA.
Other names: c.198dup, p.Tyr67fs (NM_001351834.2, NM_001351835.2, NM_001351836.2); short protein forms Y67fs.
Identifiers: ClinVar variation 1404378 (VCV001404378.6), dbSNP rs2135033137, ClinGen allele CA2573146454.